The following is an entry in ClinVar:

NM_018685.5(ANLN):c.680A>C (p.Gln227Pro)

Gene: ANLN (anillin, actin binding protein; plus strand). Cytogenetic location: 7p14.2.
Variant type: single nucleotide variant.
Coding change: c.680A>C on transcript NM_018685.5 (MANE Select); coding-DNA position 680, A replaced by C.
Protein change: p.Gln227Pro; replaces glutamine 227 with proline.
Molecular consequence: missense variant.
Genome position (GRCh38, 1-based): chr7:36,406,373, A>C. VCF-style: chr7-36406373-A-C. GRCh37 (hg19) VCF-style: chr7-36445982-A-C.
Other names: c.680A>C, p.Gln227Pro (NM_001284301.3, NM_001284302.3); short protein forms Q227P.
Identifiers: ClinVar variation 1402625 (VCV001402625.6), dbSNP rs543214617, ClinGen allele CA4219394.

ClinVar aggregate classification (germline): Uncertain significance (1 of 4 stars; one submission).

gnomAD v4.1: 2 of 1,614,160 alleles (0.00012%); highest among the groups gnomAD compares: Admixed American, 0.0017%; no homozygotes.

Submission:

Labcorp Genetics (formerly Invitae), Labcorp
Classification: Uncertain significance. Last evaluated: 2022-12-20. Review status: criteria provided, single submitter. Criteria: Invitae Variant Classification Sherloc (09022015). Collection method: clinical testing. Allele origin: germline.
Comment: This sequence change replaces glutamine, which is neutral and polar, with proline, which is neutral and non-polar, at codon 227 of the ANLN protein (p.Gln227Pro). In summary, the available evidence is currently insufficient to determine the role of this variant in disease. Therefore, it has been classified as a Variant of Uncertain Significance. Algorithms developed to predict the effect of missense changes on protein structure and function output the following: SIFT: "Deleterious"; PolyPhen-2: "Benign"; Align-GVGD: "Class C0". The proline amino acid residue is found in multiple mammalian species, which suggests that this missense change does not adversely affect protein function. ClinVar contains an entry for this variant (Variation ID: 1402625). This variant has not been reported in the literature in individuals affected with ANLN-related conditions. This variant is present in population databases (rs543214617, gnomAD 0.003%).